The following is an entry in ClinVar:

ClinVar aggregate classification (germline): Uncertain significance (1 of 4 stars; one submission).

gnomAD v4.1: 2 of 1,614,238 alleles (0.00012%); highest among the groups gnomAD compares: Non-Finnish European, 0.00017%; no homozygotes.

Submission:

Labcorp Genetics (formerly Invitae), Labcorp
Classification: Uncertain significance. Last evaluated: 2023-06-15. Review status: criteria provided, single submitter. Criteria: Invitae Variant Classification Sherloc (09022015). Collection method: clinical testing. Allele origin: germline.
Comment: In summary, the available evidence is currently insufficient to determine the role of this variant in disease. Therefore, it has been classified as a Variant of Uncertain Significance. Advanced modeling of protein sequence and biophysical properties (such as structural, functional, and spatial information, amino acid conservation, physicochemical variation, residue mobility, and thermodynamic stability) performed at Invitae indicates that this missense variant is not expected to disrupt FLNB protein function. This variant has not been reported in the literature in individuals affected with FLNB-related conditions. This variant is not present in population databases (gnomAD no frequency). This sequence change replaces proline, which is neutral and non-polar, with alanine, which is neutral and non-polar, at codon 2066 of the FLNB protein (p.Pro2066Ala).

NM_001457.4(FLNB):c.6196C>G (p.Pro2066Ala)

Gene: FLNB (filamin B; plus strand). Cytogenetic location: 3p14.3.
Variant type: single nucleotide variant.
Coding change: c.6196C>G on transcript NM_001457.4 (MANE Select); coding-DNA position 6196, C replaced by G.
Protein change: p.Pro2066Ala; replaces proline 2066 with alanine.
Molecular consequence: missense variant.
Genome position (GRCh38, 1-based): chr3:58,149,954, C>G. VCF-style: chr3-58149954-C-G. GRCh37 (hg19) VCF-style: chr3-58135681-C-G.
Other names: c.6289C>G, p.Pro2097Ala (NM_001164317.2); c.6163C>G, p.Pro2055Ala (NM_001164318.2); c.6124C>G, p.Pro2042Ala (NM_001164319.2); short protein forms P2042A, P2097A, P2055A, P2066A.
Identifiers: ClinVar variation 2879486 (VCV002879486.3), dbSNP rs1401616477, ClinGen allele CA353357369.
Genomic context (GRCh38, chr3:58,149,954, plus strand): 5'-GACATCCAGACGGAGGACCTGGAAGATGGCACCTGCAAAGTCTCCTACTTCCCTACCGTG[C>G]CTGGGGTTTATATCGTCTCCACCAAATTCGCTGACGAGCACGTGCCTGGTATGTGCATTC-3'
Protein context (NP_001448.2, residues 2056-2076): TCKVSYFPTV[Pro2066Ala]GVYIVSTKFA